The following is an entry in ClinVar:

NM_024642.5(GALNT12):c.1575C>A (p.Ala525=)

Gene: GALNT12 (polypeptide N-acetylgalactosaminyltransferase 12; plus strand). Cytogenetic location: 9q22.33.
Variant type: single nucleotide variant.
Coding change: c.1575C>A on transcript NM_024642.5 (MANE Select); coding-DNA position 1575, C replaced by A.
Protein change: p.Ala525=; no amino-acid change (alanine 525 retained).
Molecular consequence: synonymous variant.
Genome position (GRCh38, 1-based): chr9:98,846,093, C>A. VCF-style: chr9-98846093-C-A. GRCh37 (hg19) VCF-style: chr9-101608375-C-A.
Identifiers: ClinVar variation 5042365 (VCV005042365.1).

ClinVar aggregate classification (germline): Benign (1 of 4 stars; one submission).

Conditions:
Colorectal cancer, susceptibility to, 1. Also called: COLORECTAL ADENOMA AND CANCER, SUSCEPTIBILITY TO; COLORECTAL CANCER, SUSCEPTIBILITY TO, ON CHROMOSOME 9. Identifiers: MedGen C1837315, MONDO:0012132, OMIM 608812.

Submission:

Myriad Genetics, Inc.
Classification: Benign for Colorectal cancer, susceptibility to, 1. Last evaluated: 2026-09-11. Review status: criteria provided, single submitter. Criteria: Myriad Autosomal Dominant, Autosomal Recessive and X-Linked Classification Criteria (2023). Collection method: clinical testing. Allele origin: unknown.
Comment: This variant is considered benign. This variant is a silent/synonymous amino acid change and it is not expected to impact splicing.